The following is an entry in ClinVar:

ClinVar aggregate classification (germline): Uncertain significance. Review status: criteria provided, multiple submitters, no conflicts (2 of 4 stars). 2 submissions from 2 submitters: Uncertain significance (2). Last evaluated 2024-05-24.

Conditions:
Hereditary cancer-predisposing syndrome. Also called: Hereditary neoplastic syndrome; Neoplastic Syndromes, Hereditary; Tumor predisposition; Hereditary Cancer Syndrome. Identifiers: Orphanet 140162, MedGen C0027672, MeSH D009386, MONDO:0015356.

Submissions (2):

Ambry Genetics
Classification: Uncertain significance for Hereditary cancer-predisposing syndrome. Last evaluated: 2024-05-24. Review status: criteria provided, single submitter. Criteria: Ambry Variant Classification Scheme 2023. Collection method: clinical testing. Allele origin: germline.
Comment: The p.G1226V variant (also known as c.3677G>T), located in coding exon 24 of the RAD50 gene, results from a G to T substitution at nucleotide position 3677. The glycine at codon 1226 is replaced by valine, an amino acid with dissimilar properties. This amino acid position is conserved. In addition, this alteration is predicted to be deleterious by in silico analysis. Based on the available evidence, the clinical significance of this variant remains unclear.

Labcorp Genetics (formerly Invitae), Labcorp
Classification: Uncertain significance for Hereditary cancer-predisposing syndrome. Last evaluated: 2022-02-18. Review status: criteria provided, single submitter. Criteria: Invitae Variant Classification Sherloc (09022015). Collection method: clinical testing. Allele origin: germline.
Comment: This sequence change replaces glycine, which is neutral and non-polar, with valine, which is neutral and non-polar, at codon 1226 of the RAD50 protein (p.Gly1226Val). This variant is not present in population databases (gnomAD no frequency). This variant has not been reported in the literature in individuals affected with RAD50-related conditions. Algorithms developed to predict the effect of missense changes on protein structure and function are either unavailable or do not agree on the potential impact of this missense change (SIFT: "Deleterious"; PolyPhen-2: "Probably Damaging"; Align-GVGD: "Class C0"). In summary, the available evidence is currently insufficient to determine the role of this variant in disease. Therefore, it has been classified as a Variant of Uncertain Significance.

NM_005732.4(RAD50):c.3677G>T (p.Gly1226Val)

Genes: RAD50 (RAD50 double strand break repair protein; plus strand), TH2LCRR (T helper type 2 locus control region associated RNA; minus strand), TH2-LCR (Th2 cytokine locus control region; plus strand). Cytogenetic location: 5q31.1.
Variant type: single nucleotide variant.
Coding change: c.3677G>T on transcript NM_005732.4 (MANE Select); coding-DNA position 3677, G replaced by T.
Protein change: p.Gly1226Val; replaces glycine 1226 with valine.
Molecular consequence: missense variant.
Genome position (GRCh38, 1-based): chr5:132,640,730, G>T. VCF-style: chr5-132640730-G-T. GRCh37 (hg19) VCF-style: chr5-131976422-G-T.
Other names: c.3677G>T (NM_005732.3); short protein forms G1226V.
Identifiers: ClinVar variation 2098167 (VCV002098167.5), dbSNP rs1751700559, ClinGen allele CA360934196.